The following is an entry in ClinVar:

NM_002074.5(GNB1):c.347G>A (p.Gly116Asp)

Gene: GNB1 (G protein subunit beta 1; minus strand). Cytogenetic location: 1p36.33.
Variant type: single nucleotide variant.
Coding change: c.347G>A on transcript NM_002074.5 (MANE Select); coding-DNA position 347, G replaced by A.
Protein change: p.Gly116Asp; replaces glycine 116 with aspartic acid.
Molecular consequence: missense variant.
Genome position (GRCh38, 1-based): chr1:1,804,502, C>T on the plus strand (G>A on the coding strand, the complement: GNB1 is on the minus strand). VCF-style: chr1-1804502-C-T. GRCh37 (hg19) VCF-style: chr1-1735941-C-T.
Other names: c.47G>A, p.Gly16Asp (NM_001282538.2); c.347G>A, p.Gly116Asp (NM_001282539.2); short protein forms G116D, G16D.
Identifiers: ClinVar variation 996797 (VCV000996797.4), dbSNP rs1646670079, ClinGen allele CA337914812.

ClinVar aggregate classification (germline): Conflicting classifications of pathogenicity. Review status: criteria provided, conflicting classifications (1 of 4 stars). 2 submissions from 2 submitters: Likely pathogenic (1); Uncertain significance (1). Last evaluated 2021-02-01.

Allele frequency attached by ClinVar (database versions not stated): gnomAD exomes below 0.00001.
gnomAD v4.1: 1 of 1,613,394 alleles (0.000062%); highest among the groups gnomAD compares: Non-Finnish European, 0.000085%; no homozygotes.

Submissions (2):

Institute of Medical Genetics and Applied Genomics, University Hospital Tübingen
Classification: Likely pathogenic. Last evaluated: 2021-02-01. Review status: criteria provided, single submitter. Criteria: ACMG Guidelines, 2015. Collection method: clinical testing. Allele origin: germline. Inheritance: Autosomal dominant inheritance. Affected: yes.

Laboratorio de Genetica e Diagnostico Molecular, Hospital Israelita Albert Einstein
Classification: Uncertain significance. Last evaluated: 2019-10-31. Review status: criteria provided, single submitter. Criteria: ACMG Guidelines, 2015. Collection method: clinical testing. Allele origin: germline. Affected: yes.
Comment: ACMG classification criteria: PM2, PP2, PP3